The following is an entry in ClinVar:

ClinVar aggregate classification (germline): Likely benign. Review status: criteria provided, single submitter (1 of 4 stars). 2 submissions from 2 submitters: Likely benign (1). 1 of the submissions does not count toward it. Last evaluated 2024-02-26.

Conditions:
TP53I3-related disorder. Also called: TP53I3-related condition.

Allele frequency attached by ClinVar (database versions not stated): ExAC 0.00002; gnomAD 0.00016; 1000 Genomes Project 30x 0.00031; ESP Exome Variant Server 0.00015; 1000 Genomes Project 0.00020.
gnomAD v4.1: 39 of 1,614,080 alleles (0.0024%); highest among the groups gnomAD compares: African/African-American, 0.049%; no homozygotes.

Submissions (2):

Ambry Genetics
Classification: Likely benign. Last evaluated: 2024-02-26. Review status: criteria provided, single submitter. Criteria: Ambry Variant Classification Scheme 2023. Collection method: clinical testing. Allele origin: germline.

PreventionGenetics, part of Exact Sciences
Classification: Uncertain significance for TP53I3-related condition. Last evaluated: 2024-06-27. Review status: no assertion criteria provided. Collection method: clinical testing. Allele origin: germline. Not counted in ClinVar's aggregate classification.
Comment: The TP53I3 c.682C>T variant is predicted to result in the amino acid substitution p.Pro228Ser. To our knowledge, this variant has not been reported in the literature. This variant is reported in 0.036% of alleles in individuals of African descent in gnomAD. At this time, the clinical significance of this variant is uncertain due to the absence of conclusive functional and genetic evidence.

NM_004881.5(TP53I3):c.879C>T (p.Gly293=)

Genes: FAM228B (family with sequence similarity 228 member B; plus strand), TP53I3 (tumor protein p53 inducible protein 3; minus strand). Cytogenetic location: 2p23.3.
Variant type: single nucleotide variant.
Coding change: c.879C>T on transcript NM_004881.5 (MANE Select); coding-DNA position 879, C replaced by T.
Protein change: p.Gly293=; no amino-acid change (glycine 293 retained).
Molecular consequence: synonymous variant. On other transcripts: missense variant (1), intron variant (1).
Genome position (GRCh38, 1-based): chr2:24,077,699, G>A on the plus strand (C>T on the coding strand, the complement: TP53I3 is on the minus strand). VCF-style: chr2-24077699-G-A. GRCh37 (hg19) VCF-style: chr2-24300569-G-A.
Other names: c.682C>T, p.Pro228Ser (NM_001206802.2); c.879C>T, p.Gly293= (NM_147184.4); c.-290+730G>A (NM_001291328.2); c.879C>T (NM_004881.4); short protein forms P228S.
Identifiers: ClinVar variation 2634492 (VCV002634492.3), dbSNP rs144936276, ClinGen allele CA1549517.